The following is an entry in ClinVar:

NM_012062.5(DNM1L):c.1729G>C (p.Val577Leu)

Gene: DNM1L (dynamin 1 like; plus strand). Cytogenetic location: 12p11.21.
Variant type: single nucleotide variant.
Coding change: c.1729G>C on transcript NM_012062.5 (MANE Select); coding-DNA position 1729, G replaced by C.
Protein change: p.Val577Leu; replaces valine 577 with leucine.
Molecular consequence: missense variant.
Genome position (GRCh38, 1-based): chr12:32,740,085, G>C. VCF-style: chr12-32740085-G-C. GRCh37 (hg19) VCF-style: chr12-32893019-G-C.
Other names: c.1696G>C, p.Val566Leu (NM_001278463.2); c.1768G>C, p.Val590Leu (NM_001278464.2); c.1735G>C, p.Val579Leu (NM_001278465.2); c.1120G>C, p.Val374Leu (NM_001278466.2); c.1657G>C, p.Val553Leu (NM_001330380.2); c.1618G>C, p.Val540Leu (NM_005690.5); c.1651G>C, p.Val551Leu (NM_012063.4); short protein forms V374L, V551L, V579L, V553L, V590L, V577L, V540L, V566L.
Identifiers: ClinVar variation 1360252 (VCV001360252.8), dbSNP rs140385935, ClinGen allele CA235205690.

ClinVar aggregate classification (germline): Uncertain significance (1 of 4 stars; one submission).

Allele frequency attached by ClinVar (database versions not stated): gnomAD exomes below 0.00001; gnomAD 0.00002; ESP Exome Variant Server 0.00008.
gnomAD v4.1: 6 of 1,614,058 alleles (0.00037%); highest among the groups gnomAD compares: African/African-American, 0.0067%; no homozygotes.

Submission:

Labcorp Genetics (formerly Invitae), Labcorp
Classification: Uncertain significance. Last evaluated: 2025-11-25. Review status: criteria provided, single submitter. Criteria: Invitae Variant Classification Sherloc (09022015). Collection method: clinical testing. Allele origin: germline.
Comment: This sequence change replaces valine, which is neutral and non-polar, with leucine, which is neutral and non-polar, at codon 577 of the DNM1L protein (p.Val577Leu). The frequency data for this variant in the population databases is considered unreliable, as metrics indicate poor data quality at this position in the gnomAD database. This variant has not been reported in the literature in individuals affected with DNM1L-related conditions. ClinVar contains an entry for this variant (Variation ID: 1360252). An algorithm developed to predict the effect of missense changes on protein structure and function (PolyPhen-2) suggests that this variant is likely to be tolerated. In summary, the available evidence is currently insufficient to determine the role of this variant in disease. Therefore, it has been classified as a Variant of Uncertain Significance.